The following is an entry in ClinVar:

ClinVar aggregate classification (germline): Conflicting classifications of pathogenicity. Review status: criteria provided, conflicting classifications (1 of 4 stars). 2 submissions from 2 submitters: Uncertain significance (1); Likely benign (1). Last evaluated 2025-11-19.

Allele frequency attached by ClinVar (database versions not stated): gnomAD exomes below 0.00001 and 0.00001; ExAC 0.00002.
gnomAD v4.1: 2 of 1,614,222 alleles (0.00012%); highest among the groups gnomAD compares: Non-Finnish European, 0.00017%; no homozygotes.

Submissions (2):

Ambry Genetics
Classification: Likely benign. Last evaluated: 2025-11-19. Review status: criteria provided, single submitter. Criteria: Ambry Variant Classification Scheme 2023. Collection method: clinical testing. Allele origin: germline.

Labcorp Genetics (formerly Invitae), Labcorp
Classification: Uncertain significance. Last evaluated: 2021-04-05. Review status: criteria provided, single submitter. Criteria: Invitae Variant Classification Sherloc (09022015). Collection method: clinical testing. Allele origin: germline.
Comment: In summary, the available evidence is currently insufficient to determine the role of this variant in disease. Therefore, it has been classified as a Variant of Uncertain Significance. Algorithms developed to predict the effect of sequence changes on RNA splicing suggest that this variant may create or strengthen a splice site, but this prediction has not been confirmed by published transcriptional studies. Algorithms developed to predict the effect of missense changes on protein structure and function output the following: SIFT: "Tolerated"; PolyPhen-2: "Benign"; Align-GVGD: "Class C0". The glycine amino acid residue is found in multiple mammalian species, suggesting that this missense change does not adversely affect protein function. These predictions have not been confirmed by published functional studies and their clinical significance is uncertain. This variant has not been reported in the literature in individuals with AHR-related conditions. This variant is present in population databases (rs760329013, ExAC 0.003%). This sequence change replaces cysteine with glycine at codon 714 of the AHR protein (p.Cys714Gly). The cysteine residue is weakly conserved and there is a large physicochemical difference between cysteine and glycine.

NM_001621.5(AHR):c.2140T>G (p.Cys714Gly)

Gene: AHR (aryl hydrocarbon receptor; plus strand). Cytogenetic location: 7p21.1.
Variant type: single nucleotide variant.
Coding change: c.2140T>G on transcript NM_001621.5 (MANE Select); coding-DNA position 2140, T replaced by G.
Protein change: p.Cys714Gly; replaces cysteine 714 with glycine.
Molecular consequence: missense variant.
Genome position (GRCh38, 1-based): chr7:17,339,965, T>G. VCF-style: chr7-17339965-T-G. GRCh37 (hg19) VCF-style: chr7-17379589-T-G.
Other names: c.2140T>G (NM_001621.4); short protein forms C714G.
Identifiers: ClinVar variation 1383310 (VCV001383310.9), dbSNP rs760329013, ClinGen allele CA4172236.